The following is an entry in ClinVar:

NM_003873.7(NRP1):c.1080C>T (p.Ile360=)

Gene: NRP1 (neuropilin 1; minus strand). Cytogenetic location: 10p11.22.
Variant type: single nucleotide variant.
Coding change: c.1080C>T on transcript NM_003873.7 (MANE Select); coding-DNA position 1080, C replaced by T.
Protein change: p.Ile360=; no amino-acid change (isoleucine 360 retained).
Molecular consequence: synonymous variant. On other transcripts: non-coding transcript variant (1).
Genome position (GRCh38, 1-based): chr10:33,226,191, G>A on the plus strand (C>T on the coding strand, the complement: NRP1 is on the minus strand). VCF-style: chr10-33226191-G-A. GRCh37 (hg19) VCF-style: chr10-33515119-G-A.
Other names: c.1080C>T, p.Ile360= (NM_001024628.3, NM_001024629.3, NM_001244972.2 and 2 more transcripts).
Identifiers: ClinVar variation 3356156 (VCV003356156.1).

ClinVar aggregate classification (germline): Likely benign (0 of 4 stars; one submission).

Conditions:
NRP1-related disorder. Also called: NRP1-related condition.

gnomAD v4.1: 31 of 1,613,982 alleles (0.0019%); highest among the groups gnomAD compares: African/African-American, 0.0093%; no homozygotes.

Submission:

PreventionGenetics, part of Exact Sciences
Classification: Likely benign for NRP1-related condition. Last evaluated: 2023-10-18. Review status: no assertion criteria provided. Collection method: clinical testing. Allele origin: germline.
Comment: This variant is classified as likely benign based on ACMG/AMP sequence variant interpretation guidelines (Richards et al. 2015 PMID: 25741868, with internal and published modifications).